The following is an entry in ClinVar:

NM_024649.5(BBS1):c.830G>A (p.Arg277Lys)

Genes: BBS1 (Bardet-Biedl syndrome 1; plus strand), ZDHHC24 (zDHHC palmitoyltransferase 24; minus strand). Cytogenetic location: 11q13.2.
Variant type: single nucleotide variant.
Coding change: c.830G>A on transcript NM_024649.5 (MANE Select); coding-DNA position 830, G replaced by A.
Protein change: p.Arg277Lys; replaces arginine 277 with lysine.
Molecular consequence: missense variant. On other transcripts: 3 prime UTR variant (1).
Genome position (GRCh38, 1-based): chr11:66,521,376, G>A. VCF-style: chr11-66521376-G-A. GRCh37 (hg19) VCF-style: chr11-66288847-G-A.
Other names: c.830G>A (NM_024649.4); c.*112C>T (NM_001348571.2); short protein forms R277K.
Identifiers: ClinVar variation 1075093 (VCV001075093.10), dbSNP rs1856209517, ClinGen allele CA381459651.

ClinVar aggregate classification (germline): Pathogenic/Likely pathogenic. Review status: criteria provided, multiple submitters, no conflicts (2 of 4 stars). 4 submissions from 4 submitters: Pathogenic (2); Likely pathogenic (2). Last evaluated 2025-06-16.

Conditions:
BBS1-related disorder. Also called: BBS1-related condition.
Bardet-Biedl syndrome 1 (BBS1). Identifiers: MedGen C2936862, MONDO:0008854, OMIM 209900. Disease mechanism: loss of function.
Bardet-Biedl syndrome (BBS). Identifiers: Orphanet 110, MedGen C0752166, MONDO:0015229.

Allele frequency attached by ClinVar (database versions not stated): gnomAD 0.00001; TOPMed below 0.00001; gnomAD exomes below 0.00001.
gnomAD v4.1: 7 of 1,613,446 alleles (0.00043%); highest among the groups gnomAD compares: Non-Finnish European, 0.00059%; no homozygotes.

Submissions (4):

Women's Health and Genetics/Laboratory Corporation of America, LabCorp
Classification: Likely pathogenic for Bardet-Biedl syndrome. Last evaluated: 2025-06-16. Review status: criteria provided, single submitter. Criteria: LabCorp Variant Classification Summary - May 2015. Collection method: clinical testing. Allele origin: germline.
Comment: Variant summary: BBS1 c.830G>A (p.Arg277Lys) results in a conservative amino acid change in the encoded protein sequence. Algorithms developed to predict the effect of missense changes on protein structure and function are either unavailable or do not agree on the potential impact of this missense change. Several computational tools predict a significant impact on normal splicing: Four predict the variant abolishes a 5' splicing donor site. However, these predictions have yet to be confirmed by functional studies. The frequency data for this variant in gnomAD is considered unreliable, as metrics indicate poor data quality at this position. c.830G>A has been observed in individuals affected with clinical features of Bardet-Biedl Syndrome (Feuillan_2011, Jacobson_2014, Stone_2017, Panneman_2023, internal data). These data indicate that the variant is likely to be associated with disease. To our knowledge, no experimental evidence demonstrating an impact on protein function has been reported. The following publications have been ascertained in the context of this evaluation (PMID: 21209035, 25074776, 36819107, 28559085). ClinVar contains an entry for this variant (Variation ID: 1075093). Based on the evidence outlined above, the variant was classified as likely pathogenic.

Natera, Inc.
Classification: Likely pathogenic for Bardet-Biedl syndrome type 1. Last evaluated: 2024-11-26. Review status: criteria provided, single submitter. Criteria: Natera Variant Classification Schema (03/2026). Collection method: clinical testing. Allele origin: germline.
Comment: The c.830G>A variant in BBS1 is a missense variant predicted to cause substitution of arginine to lysine at amino acid 277. This variant is rare in the general population with a frequency below the threshold expected for the associated phenotype(s). This variant has been observed in one or more individuals affected with the associated recessive disease, as either homozygous or compound heterozygous with a second variant (PMID: 21209035). Given the available evidence, this variant is classified as Likely Pathogenic.

Labcorp Genetics (formerly Invitae), Labcorp
Classification: Pathogenic for Bardet-Biedl syndrome. Last evaluated: 2024-10-23. Review status: criteria provided, single submitter. Criteria: Invitae Variant Classification Sherloc (09022015). Collection method: clinical testing. Allele origin: germline.
Comment: This sequence change replaces arginine, which is basic and polar, with lysine, which is basic and polar, at codon 277 of the BBS1 protein (p.Arg277Lys). This variant also falls at the last nucleotide of exon 9, which is part of the consensus splice site for this exon. This variant is not present in population databases (gnomAD no frequency). This missense change has been observed in individual(s) with clinical features of Bardet-Biedl syndrome or retinitis pigmentosa (PMID: 21209035, 25074776, 28559085; internal data). In at least one individual the data is consistent with being in trans (on the opposite chromosome) from a pathogenic variant. ClinVar contains an entry for this variant (Variation ID: 1075093). Invitae Evidence Modeling of protein sequence and biophysical properties (such as structural, functional, and spatial information, amino acid conservation, physicochemical variation, residue mobility, and thermodynamic stability) has been performed for this missense variant. However, the output from this modeling did not meet the statistical confidence thresholds required to predict the impact of this variant on BBS1 protein function. Variants that disrupt the consensus splice site are a relatively common cause of aberrant splicing (PMID: 17576681, 9536098). Algorithms developed to predict the effect of sequence changes on RNA splicing suggest that this variant may disrupt the consensus splice site. For these reasons, this variant has been classified as Pathogenic.

Blueprint Genetics
Classification: Pathogenic for BBS1-related disorders. Last evaluated: 2020-09-22. Review status: criteria provided, single submitter. Criteria: ACMG Guidelines, 2015. Collection method: clinical testing. Allele origin: germline. Affected: yes. Observed: 4 variant alleles.

Literature cited by the submitters: PubMed 21209035 (cited by 3 submitters); PubMed 28559085 (cited by Women's Health and Genetics/Laboratory Corporation of America, LabCorp and Labcorp Genetics (formerly Invitae), Labcorp); PubMed 25074776 (cited by Women's Health and Genetics/Laboratory Corporation of America, LabCorp and Labcorp Genetics (formerly Invitae), Labcorp); PubMed 36819107 (cited by Women's Health and Genetics/Laboratory Corporation of America, LabCorp); PubMed 17576681 (cited by Labcorp Genetics (formerly Invitae), Labcorp); PubMed 9536098 (cited by Labcorp Genetics (formerly Invitae), Labcorp).